The following is an entry in ClinVar:

ClinVar aggregate classification (germline): Likely benign. Review status: criteria provided, multiple submitters, no conflicts (2 of 4 stars). 2 submissions from 2 submitters: Likely benign (2). Last evaluated 2024-09-09.

Allele frequency attached by ClinVar (database versions not stated): ExAC 0.00005; gnomAD 0.00007; TOPMed 0.00007; ESP Exome Variant Server 0.00008; gnomAD exomes 0.00014.
gnomAD v4.1: 212 of 1,609,584 alleles (0.013%); highest among the groups gnomAD compares: Non-Finnish European, 0.016%; no homozygotes.

Submissions (2):

Blueprint Genetics
Classification: Likely benign. Last evaluated: 2024-09-09. Review status: criteria provided, single submitter. Criteria: ACMG Guidelines, 2015. Collection method: clinical testing. Allele origin: germline.

CeGaT Center for Human Genetics Tuebingen
Classification: Likely benign. Last evaluated: 2022-04-01. Review status: criteria provided, single submitter. Criteria: CeGaT Center For Human Genetics Tuebingen Variant Classification Criteria Version 2. Collection method: clinical testing. Allele origin: germline. Affected: yes. Observed: 1 variant allele.
Comment: MYRF: BP4, BP7

NM_001127392.3(MYRF):c.429C>A (p.Gly143=)

Gene: MYRF (myelin regulatory factor; plus strand). Cytogenetic location: 11q12.2.
Variant type: single nucleotide variant.
Coding change: c.429C>A on transcript NM_001127392.3 (MANE Select); coding-DNA position 429, C replaced by A.
Protein change: p.Gly143=; no amino-acid change (glycine 143 retained).
Molecular consequence: synonymous variant.
Genome position (GRCh38, 1-based): chr11:61,769,290, C>A. VCF-style: chr11-61769290-C-A. GRCh37 (hg19) VCF-style: chr11-61536762-C-A.
Other names: c.402C>A, p.Gly134= (NM_013279.4).
Identifiers: ClinVar variation 2641833 (VCV002641833.25), dbSNP rs375670369, ClinGen allele CA6037546.